The following is an entry in ClinVar:

ClinVar aggregate classification (germline): Uncertain significance (1 of 4 stars; one submission).

Allele frequency attached by ClinVar (database versions not stated): gnomAD exomes below 0.00001.
gnomAD v4.1: 3 of 1,610,894 alleles (0.00019%); highest among the groups gnomAD compares: Middle Eastern, 0.017%; no homozygotes.

Submission:

Labcorp Genetics (formerly Invitae), Labcorp
Classification: Uncertain significance. Last evaluated: 2025-09-08. Review status: criteria provided, single submitter. Criteria: Invitae Variant Classification Sherloc (09022015). Collection method: clinical testing. Allele origin: germline.
Comment: This sequence change replaces arginine, which is basic and polar, with glutamine, which is neutral and polar, at codon 347 of the TRAF3IP1 protein (p.Arg347Gln). This variant is not present in population databases (gnomAD no frequency). This variant has not been reported in the literature in individuals affected with TRAF3IP1-related conditions. ClinVar contains an entry for this variant (Variation ID: 1378410). Invitae Evidence Modeling of protein sequence and biophysical properties (such as structural, functional, and spatial information, amino acid conservation, physicochemical variation, residue mobility, and thermodynamic stability) indicates that this missense variant is not expected to disrupt TRAF3IP1 protein function with a negative predictive value of 80%. In summary, the available evidence is currently insufficient to determine the role of this variant in disease. Therefore, it has been classified as a Variant of Uncertain Significance.

NM_015650.4(TRAF3IP1):c.1040G>A (p.Arg347Gln)

Gene: TRAF3IP1 (TRAF3 interacting protein 1; plus strand). Cytogenetic location: 2q37.3.
Variant type: single nucleotide variant.
Coding change: c.1040G>A on transcript NM_015650.4 (MANE Select); coding-DNA position 1040, G replaced by A.
Protein change: p.Arg347Gln; replaces arginine 347 with glutamine.
Molecular consequence: missense variant.
Genome position (GRCh38, 1-based): chr2:238,334,012, G>A. VCF-style: chr2-238334012-G-A. GRCh37 (hg19) VCF-style: chr2-239242653-G-A.
Other names: c.1040G>A, p.Arg347Gln (NM_001139490.1); short protein forms R347Q.
Identifiers: ClinVar variation 1378410 (VCV001378410.6), dbSNP rs1451387842, ClinGen allele CA351248576.
Genomic context (GRCh38, chr2:238,334,012, plus strand): 5'-TCTTTAAGACTGAGATTTCCACTAGAGCTTCCAAGTCATTGACAACAAAAACATCAAAAC[G>A]GCGATCCAAAAATTCAGTGGAAGGTACTGCAAAACTTATATATGTAGCTGAAAATATGGA-3'
Protein context (NP_056465.2, residues 337-357): SKSLTTKTSK[Arg347Gln]RSKNSVEGRK